The following is an entry in ClinVar:

NM_078629.4(MSL3):c.414C>G (p.Asn138Lys)

Gene: MSL3 (MSL complex subunit 3; plus strand). Cytogenetic location: Xp22.2.
Variant type: single nucleotide variant.
Coding change: c.414C>G on transcript NM_078629.4 (MANE Select); coding-DNA position 414, C replaced by G.
Protein change: p.Asn138Lys; replaces asparagine 138 with lysine.
Molecular consequence: missense variant. On other transcripts: 5 prime UTR variant (1), intron variant (1).
Genome position (GRCh38, 1-based): chrX:11,761,531, C>G. VCF-style: chrX-11761531-C-G. GRCh37 (hg19) VCF-style: chrX-11779650-C-G.
Other names: c.378C>G, p.Asn126Lys (NM_001193270.2); c.-85C>G (NM_006800.4); c.414C>G, p.Asn138Lys (NM_078628.2); c.18+594C>G (NM_001282174.1); short protein forms N126K, N138K.
Identifiers: ClinVar variation 2631431 (VCV002631431.1), dbSNP rs972764717, ClinGen allele CA326720437.
Genomic context (GRCh38, chrX:11,761,531, plus strand): 5'-AGTTTACCGGATGCTTTTGTTTCACCTAGCATTAAGCAGTTCCTCTGACTGTAGTGAAAA[C>G]AAGGATGAAGAAATAAGTGAAGAAAGTGATATTGAAGAAAAGACTGAAGTGGTATAAAGT-3'
Protein context (NP_523353.2, residues 128-148): SLSSSSDCSE[Asn138Lys]KDEEISEESD

ClinVar aggregate classification (germline): Uncertain significance (1 of 4 stars; one submission).

Conditions:
MSL3-related disorder. Also called: MSL3-related condition.

Allele frequency attached by ClinVar (database versions not stated): gnomAD 0.00001; TOPMed 0.00001.

Submission:

PreventionGenetics, part of Exact Sciences
Classification: Uncertain significance for MSL3-related condition. Last evaluated: 2023-08-29. Review status: criteria provided, single submitter. Criteria: ACMG Guidelines, 2015. Collection method: clinical testing. Allele origin: germline.
Comment: The MSL3 c.414C>G variant is predicted to result in the amino acid substitution p.Asn138Lys. To our knowledge, this variant has not been reported in the literature or in a large population database, indicating this variant is rare. At this time, the clinical significance of this variant is uncertain due to the absence of conclusive functional and genetic evidence.